The following is an entry in ClinVar:

NM_054027.6(ANKH):c.1012-11T>G

Gene: ANKH (ANKH inorganic pyrophosphate transport regulator; minus strand). Cytogenetic location: 5p15.2.
Variant type: single nucleotide variant.
Coding change: c.1012-11T>G on transcript NM_054027.6 (MANE Select); 11 bases into the intron before coding-DNA position 1012, T replaced by G.
Molecular consequence: intron variant.
Genome position (GRCh38, 1-based): chr5:14,716,846, A>C on the plus strand (T>G on the coding strand, the complement: ANKH is on the minus strand). VCF-style: chr5-14716846-A-C. GRCh37 (hg19) VCF-style: chr5-14716955-A-C.
Identifiers: ClinVar variation 351506 (VCV000351506.18), dbSNP rs576472902, ClinGen allele CA3208937.

ClinVar aggregate classification (germline): Benign/Likely benign. Review status: criteria provided, multiple submitters, no conflicts (2 of 4 stars). 6 submissions from 5 submitters: Benign (4); Likely benign (2). Last evaluated 2025-10-08.

Conditions:
Chondrocalcinosis 2. Also called: CALCIUM GOUT; CALCIUM PYROPHOSPHATE ARTHROPATHY; Familial calcium pyrophosphate deposition. Identifiers: Orphanet 1416, MedGen C0856830, MONDO:0007319, OMIM 118600.
Craniometaphyseal dysplasia, autosomal dominant (CMDD). Identifiers: Orphanet 1522, MedGen C1852502, MONDO:0007397, OMIM 123000.

Allele frequency attached by ClinVar (database versions not stated): gnomAD 0.00005 and 0.00033; TOPMed 0.00010; gnomAD exomes 0.00055 and 0.00117; ExAC 0.00122; 1000 Genomes Project 0.00200; 1000 Genomes Project 30x 0.00234.
gnomAD v4.1: 870 of 1,613,620 alleles (0.054%); highest among the groups gnomAD compares: South Asian, 0.78%; 8 homozygotes.

Submissions (7):

Labcorp Genetics (formerly Invitae), Labcorp
Classification: Benign. Last evaluated: 2025-10-08. Review status: criteria provided, single submitter. Criteria: Invitae Variant Classification Sherloc (09022015). Collection method: clinical testing. Allele origin: germline.

Blueprint Genetics
Classification: Likely benign. Last evaluated: 2024-10-25. Review status: criteria provided, single submitter. Criteria: ACMG Guidelines, 2015. Collection method: clinical testing. Allele origin: germline.

Genome-Nilou Lab
Classification: Benign for Craniometaphyseal dysplasia, autosomal dominant. Last evaluated: 2021-12-05. Review status: criteria provided, single submitter. Criteria: ACMG Guidelines, 2015. Collection method: clinical testing. Allele origin: germline. Affected: no.

GeneDx
Classification: Likely benign. Last evaluated: 2020-07-20. Review status: criteria provided, single submitter. Criteria: GeneDx Variant Classification Process June 2021. Collection method: clinical testing. Allele origin: germline. Affected: yes.

Illumina Laboratory Services, Illumina
Classification: Benign for Chondrocalcinosis 2. Last evaluated: 2018-01-13. Review status: criteria provided, single submitter. Criteria: ICSL Variant Classification Criteria 13 December 2019. Collection method: clinical testing. Allele origin: germline.
Comment: This variant was observed in the ICSL laboratory as part of a predisposition screen in an ostensibly healthy population. It had not been previously curated by ICSL or reported in the Human Gene Mutation Database (HGMD: prior to June 1st, 2018), and was therefore a candidate for classification through an automated scoring system. Utilizing variant allele frequency, disease prevalence and penetrance estimates, and inheritance mode, an automated score was calculated to assess if this variant is too frequent to cause the disease. Based on the score and internal cut-off values, a variant classified as benign is not then subjected to further curation. The score for this variant resulted in a classification of benign for this disease.

Illumina Laboratory Services, Illumina
Classification: Benign for Craniometaphyseal dysplasia, autosomal dominant. Last evaluated: 2018-01-13. Review status: criteria provided, single submitter. Criteria: ICSL Variant Classification Criteria 13 December 2019. Collection method: clinical testing. Allele origin: germline.
Comment: the same text as in the submission from Illumina Laboratory Services, Illumina above.

Dr. Peter K. Rogan Lab, Western University
No classification provided (evidence only). Condition: Ovarian cancer. Review status: no classification provided. Collection method: in vitro. Allele origin: not applicable. Functional consequence: skipped exon. Not counted in ClinVar's aggregate classification.